The following is an entry in ClinVar:

ClinVar aggregate classification (germline): Uncertain significance (1 of 4 stars; one submission).

Submission:

GeneDx
Classification: Uncertain significance. Last evaluated: 2023-05-23. Review status: criteria provided, single submitter. Criteria: GeneDx Variant Classification Process June 2021. Collection method: clinical testing. Allele origin: germline. Affected: yes.
Comment: Not observed at significant frequency in large population cohorts (gnomAD); In silico analysis supports that this missense variant has a deleterious effect on protein structure/function; Has not been previously published as pathogenic or benign to our knowledge

NM_001042681.2(RERE):c.821C>A (p.Pro274His)

Gene: RERE (arginine-glutamic acid dipeptide repeats; minus strand). Cytogenetic location: 1p36.23.
Variant type: single nucleotide variant.
Coding change: c.821C>A on transcript NM_001042681.2 (MANE Select); coding-DNA position 821, C replaced by A.
Protein change: p.Pro274His; replaces proline 274 with histidine.
Molecular consequence: missense variant.
Genome position (GRCh38, 1-based): chr1:8,541,223, G>T on the plus strand (C>A on the coding strand, the complement: RERE is on the minus strand). VCF-style: chr1-8541223-G-T. GRCh37 (hg19) VCF-style: chr1-8601282-G-T.
Other names: c.821C>A, p.Pro274His (NM_012102.4); short protein forms P274H.
Identifiers: ClinVar variation 3343766 (VCV003343766.1).
Genomic context (GRCh38, chr1:8,541,223, plus strand): 5'-ATGAGAAAAGGAAAAGAGTTCTCAATGAATGGACACAAGTGACTCACTTACCTTGTCTCA[G>T]GGTTATATCCTAATATGTAGAAAAATGAATCCACTCGGGCTTTAAACTCTCTAGCAGCAA-3'
Protein context (NP_001036146.1, residues 264-284): DSFFYILGYN[Pro274His]ETRRLNSTQG